The following is an entry in ClinVar:

ClinVar aggregate classification (germline): Uncertain significance (1 of 4 stars; one submission).

Conditions:
Familial adenomatous polyposis 1 (FAP1). Also called: FAMILIAL ADENOMATOUS POLYPOSIS 1, ATTENUATED; POLYPOSIS, ADENOMATOUS INTESTINAL. Identifiers: MedGen C2713442, MONDO:0021056, OMIM 175100. Disease mechanism: loss of function.

Submission:

Labcorp Genetics (formerly Invitae), Labcorp
Classification: Uncertain significance for Familial adenomatous polyposis 1. Last evaluated: 2026-01-07. Review status: criteria provided, single submitter. Criteria: Invitae Variant Classification Sherloc (09022015). Collection method: clinical testing. Allele origin: germline.
Comment: This sequence change replaces serine, which is neutral and polar, with phenylalanine, which is neutral and non-polar, at codon 2825 of the APC protein (p.Ser2825Phe). This variant is not present in population databases (gnomAD no frequency). This variant has not been reported in the literature in individuals affected with APC-related conditions. ClinVar contains an entry for this variant (Variation ID: 1039478). Invitae Evidence Modeling of protein sequence and biophysical properties (such as structural, functional, and spatial information, amino acid conservation, physicochemical variation, residue mobility, and thermodynamic stability) indicates that this missense variant is not expected to disrupt APC protein function with a negative predictive value of 95%. In summary, the available evidence is currently insufficient to determine the role of this variant in disease. Therefore, it has been classified as a Variant of Uncertain Significance.

NM_000038.6(APC):c.8474C>T (p.Ser2825Phe)

Gene: APC (APC regulator of Wnt signaling pathway; plus strand). Cytogenetic location: 5q22.2.
Variant type: single nucleotide variant.
Coding change: c.8474C>T on transcript NM_000038.6 (MANE Select); coding-DNA position 8474, C replaced by T.
Protein change: p.Ser2825Phe; replaces serine 2825 with phenylalanine.
Molecular consequence: missense variant.
Genome position (GRCh38, 1-based): chr5:112,844,068, C>T. VCF-style: chr5-112844068-C-T. GRCh37 (hg19) VCF-style: chr5-112179765-C-T.
Other names: c.8474C>T, p.Ser2825Phe (NM_001127510.3, NM_001354895.2); c.8420C>T, p.Ser2807Phe (NM_001127511.3); c.8528C>T, p.Ser2843Phe (NM_001354896.2); c.8504C>T, p.Ser2835Phe (NM_001354897.2); c.8399C>T, p.Ser2800Phe (NM_001354898.2); c.8390C>T, p.Ser2797Phe (NM_001354899.2); c.8351C>T, p.Ser2784Phe (NM_001354900.2); c.8297C>T, p.Ser2766Phe (NM_001354901.2); and 5 more; short protein forms S2699F, S2784F, S2797F, S2665F, S2724F, S2734F, S2807F, S2542F.
Identifiers: ClinVar variation 1039478 (VCV001039478.10), dbSNP rs1766757144, ClinGen allele CA16039717.
Genomic context (GRCh38, chr5:112,844,068, plus strand): 5'-TCCCAACTCCAGTGAATAACAACACAAAGAAGCGAGATTCCAAAACTGACAGCACAGAAT[C>T]CAGTGGAACCCAAAGTCCTAAGCGCCATTCTGGGTCTTACCTTGTGACATCTGTTTAAAA-3'
Protein context (NP_000029.2, residues 2815-2835): KRDSKTDSTE[Ser2825Phe]SGTQSPKRHS